The following is an entry in ClinVar:

ClinVar aggregate classification (germline): Conflicting classifications of pathogenicity. Review status: criteria provided, conflicting classifications (1 of 4 stars). 4 submissions from 3 submitters: Uncertain significance (2); Benign (1); Likely benign (1). Last evaluated 2025-09-22.

Conditions:
Inborn genetic diseases. Identifiers: MedGen C0950123, MeSH D030342.
Chondrocalcinosis 2. Also called: Familial calcium pyrophosphate deposition; CALCIUM GOUT; CALCIUM PYROPHOSPHATE ARTHROPATHY. Identifiers: Orphanet 1416, MedGen C0856830, MONDO:0007319, OMIM 118600.
Craniometaphyseal dysplasia, autosomal dominant (CMDD). Identifiers: Orphanet 1522, MedGen C1852502, MONDO:0007397, OMIM 123000.

Allele frequency attached by ClinVar (database versions not stated): gnomAD 0.00003; TOPMed 0.00004; gnomAD exomes 0.00006; ExAC 0.00007; ESP Exome Variant Server 0.00023.
gnomAD v4.1: 61 of 1,613,826 alleles (0.0038%); highest among the groups gnomAD compares: Admixed American, 0.0067%; no homozygotes.

Submissions (4):

Labcorp Genetics (formerly Invitae), Labcorp
Classification: Likely benign. Last evaluated: 2025-09-22. Review status: criteria provided, single submitter. Criteria: Invitae Variant Classification Sherloc (09022015). Collection method: clinical testing. Allele origin: germline.

Ambry Genetics
Classification: Uncertain significance for Inborn genetic diseases. Last evaluated: 2024-12-09. Review status: criteria provided, single submitter. Criteria: Ambry Variant Classification Scheme 2023. Collection method: clinical testing. Allele origin: germline.

Illumina Laboratory Services, Illumina
Classification: Uncertain significance for Chondrocalcinosis 2. Last evaluated: 2017-04-28. Review status: criteria provided, single submitter. Criteria: ICSL Variant Classification Criteria 13 December 2019. Collection method: clinical testing. Allele origin: germline.

Illumina Laboratory Services, Illumina
Classification: Benign for Craniometaphyseal dysplasia, autosomal dominant. Last evaluated: 2017-04-28. Review status: criteria provided, single submitter. Criteria: ICSL Variant Classification Criteria 13 December 2019. Collection method: clinical testing. Allele origin: germline.
Comment: This variant was observed as part of a predisposition screen in an ostensibly healthy population. A literature search was performed for the gene, cDNA change, and amino acid change (where applicable). No publications were found based on this search. Allele frequency data from public databases was too high to be consistent with this variant causing disease. Therefore, this variant is classified as benign.

NM_054027.6(ANKH):c.1000C>G (p.Leu334Val)

Gene: ANKH (ANKH inorganic pyrophosphate transport regulator; minus strand). Cytogenetic location: 5p15.2.
Variant type: single nucleotide variant.
Coding change: c.1000C>G on transcript NM_054027.6 (MANE Select); coding-DNA position 1000, C replaced by G.
Protein change: p.Leu334Val; replaces leucine 334 with valine.
Molecular consequence: missense variant.
Genome position (GRCh38, 1-based): chr5:14,741,838, G>C on the plus strand (C>G on the coding strand, the complement: ANKH is on the minus strand). VCF-style: chr5-14741838-G-C. GRCh37 (hg19) VCF-style: chr5-14741947-G-C.
Other names: short protein forms L334V.
Identifiers: ClinVar variation 904041 (VCV000904041.9), dbSNP rs199961741, ClinGen allele CA3208964.